The following is an entry in ClinVar:

ClinVar aggregate classification (germline): Uncertain significance (1 of 4 stars; one submission).

Allele frequency attached by ClinVar (database versions not stated): ExAC 0.00002; TOPMed 0.00002.
gnomAD v4.1: 23 of 1,614,050 alleles (0.0014%); highest among the groups gnomAD compares: African/African-American, 0.0027%; no homozygotes.

Submission:

Labcorp Genetics (formerly Invitae), Labcorp
Classification: Uncertain significance. Last evaluated: 2021-11-24. Review status: criteria provided, single submitter. Criteria: Invitae Variant Classification Sherloc (09022015). Collection method: clinical testing. Allele origin: germline.
Comment: This sequence change replaces valine, which is neutral and non-polar, with isoleucine, which is neutral and non-polar, at codon 186 of the TOP3A protein (p.Val186Ile). This variant is present in population databases (rs755827699, gnomAD 0.008%). This variant has not been reported in the literature in individuals affected with TOP3A-related conditions. Algorithms developed to predict the effect of missense changes on protein structure and function output the following: SIFT: "Not Available"; PolyPhen-2: "Benign"; Align-GVGD: "Not Available". The isoleucine amino acid residue is found in multiple mammalian species, which suggests that this missense change does not adversely affect protein function. In summary, the available evidence is currently insufficient to determine the role of this variant in disease. Therefore, it has been classified as a Variant of Uncertain Significance.

NM_004618.5(TOP3A):c.556G>A (p.Val186Ile)

Gene: TOP3A (DNA topoisomerase III alpha; minus strand). Cytogenetic location: 17p11.2.
Variant type: single nucleotide variant.
Coding change: c.556G>A on transcript NM_004618.5 (MANE Select); coding-DNA position 556, G replaced by A.
Protein change: p.Val186Ile; replaces valine 186 with isoleucine.
Molecular consequence: missense variant.
Genome position (GRCh38, 1-based): chr17:18,302,667, C>T on the plus strand (G>A on the coding strand, the complement: TOP3A is on the minus strand). VCF-style: chr17-18302667-C-T. GRCh37 (hg19) VCF-style: chr17-18205981-C-T.
Other names: c.271G>A, p.Val91Ile (NM_001320759.2); short protein forms V186I, V91I.
Identifiers: ClinVar variation 1385633 (VCV001385633.5), dbSNP rs755827699, ClinGen allele CA8430183.